The following is an entry in ClinVar:

ClinVar aggregate classification (germline): Uncertain significance (1 of 4 stars; one submission).

Conditions:
Primary ciliary dyskinesia. Also called: Ciliary dyskinesia. Identifiers: Orphanet 244, MedGen C0008780, MONDO:0016575, HP:0012265.

Allele frequency attached by ClinVar (database versions not stated): TOPMed 0.00001.

Submission:

Labcorp Genetics (formerly Invitae), Labcorp
Classification: Uncertain significance for Primary ciliary dyskinesia. Last evaluated: 2019-09-22. Review status: criteria provided, single submitter. Criteria: Invitae Variant Classification Sherloc (09022015). Collection method: clinical testing. Allele origin: germline.
Comment: This sequence change replaces asparagine with aspartic acid at codon 2918 of the DNAH5 protein (p.Asn2918Asp). The asparagine residue is highly conserved and there is a small physicochemical difference between asparagine and aspartic acid. This variant is not present in population databases (ExAC no frequency). This variant has not been reported in the literature in individuals with DNAH5-related conditions. Algorithms developed to predict the effect of missense changes on protein structure and function are either unavailable or do not agree on the potential impact of this missense change (SIFT: "Deleterious"; PolyPhen-2: "Possibly Damaging"; Align-GVGD: "Class C0"). In summary, the available evidence is currently insufficient to determine the role of this variant in disease. Therefore, it has been classified as a Variant of Uncertain Significance.

NM_001369.3(DNAH5):c.8752A>G (p.Asn2918Asp)

Gene: DNAH5 (dynein axonemal heavy chain 5; minus strand). Cytogenetic location: 5p15.2.
Variant type: single nucleotide variant.
Coding change: c.8752A>G on transcript NM_001369.3 (MANE Select); coding-DNA position 8752, A replaced by G.
Protein change: p.Asn2918Asp; replaces asparagine 2918 with aspartic acid.
Molecular consequence: missense variant.
Genome position (GRCh38, 1-based): chr5:13,786,247, T>C on the plus strand (A>G on the coding strand, the complement: DNAH5 is on the minus strand). VCF-style: chr5-13786247-T-C. GRCh37 (hg19) VCF-style: chr5-13786356-T-C.
Other names: short protein forms N2918D.
Identifiers: ClinVar variation 956804 (VCV000956804.1), dbSNP rs1755979769, ClinGen allele CA359215219.